The following is an entry in ClinVar:

ClinVar aggregate classification (germline): Likely benign. Review status: criteria provided, multiple submitters, no conflicts (2 of 4 stars). 3 submissions from 3 submitters: Likely benign (3). Last evaluated 2024-11-05.

Allele frequency attached by ClinVar (database versions not stated): gnomAD exomes 0.00004 and 0.00008; gnomAD 0.00014 and 0.00016; ExAC 0.00015; TOPMed 0.00015; 1000 Genomes Project 30x 0.00016; 1000 Genomes Project 0.00020; ESP Exome Variant Server 0.00031.
gnomAD v4.1: 94 of 1,614,094 alleles (0.0058%); highest among the groups gnomAD compares: African/African-American, 0.063%; 2 homozygotes.

Submissions (3):

Blueprint Genetics
Classification: Likely benign. Last evaluated: 2024-11-05. Review status: criteria provided, single submitter. Criteria: ACMG Guidelines, 2015. Collection method: clinical testing. Allele origin: germline.

CeGaT Center for Human Genetics Tuebingen
Classification: Likely benign. Last evaluated: 2023-05-01. Review status: criteria provided, single submitter. Criteria: CeGaT Center For Human Genetics Tuebingen Variant Classification Criteria Version 2. Collection method: clinical testing. Allele origin: germline. Affected: yes. Observed: 1 variant allele.
Comment: TRIO: BP4, BP7

GeneDx
Classification: Likely benign. Last evaluated: 2021-01-22. Review status: criteria provided, single submitter. Criteria: GeneDx Variant Classification Process June 2021. Collection method: clinical testing. Allele origin: germline. Affected: yes.

NM_007118.4(TRIO):c.2940C>T (p.Tyr980=)

Gene: TRIO (trio Rho guanine nucleotide exchange factor; plus strand). Cytogenetic location: 5p15.2.
Variant type: single nucleotide variant.
Coding change: c.2940C>T on transcript NM_007118.4 (MANE Select); coding-DNA position 2940, C replaced by T.
Protein change: p.Tyr980=; no amino-acid change (tyrosine 980 retained).
Molecular consequence: synonymous variant. On other transcripts: non-coding transcript variant (1).
Genome position (GRCh38, 1-based): chr5:14,368,773, C>T. VCF-style: chr5-14368773-C-T. GRCh37 (hg19) VCF-style: chr5-14368882-C-T.
Identifiers: ClinVar variation 1254875 (VCV001254875.27), dbSNP rs142713400, ClinGen allele CA3206044.